The following is an entry in ClinVar:

NM_000138.5(FBN1):c.6250T>A (p.Cys2084Ser)

Gene: FBN1 (fibrillin 1; minus strand). Cytogenetic location: 15q21.1.
Variant type: single nucleotide variant.
Coding change: c.6250T>A on transcript NM_000138.5 (MANE Select); coding-DNA position 6250, T replaced by A.
Protein change: p.Cys2084Ser; replaces cysteine 2084 with serine.
Molecular consequence: missense variant.
Genome position (GRCh38, 1-based): chr15:48,437,831, A>T on the plus strand (T>A on the coding strand, the complement: FBN1 is on the minus strand). VCF-style: chr15-48437831-A-T. GRCh37 (hg19) VCF-style: chr15-48730028-A-T.
Other names: short protein forms C2084S.
Identifiers: ClinVar variation 1517935 (VCV001517935.8), dbSNP rs2141241499, ClinGen allele CA392337027.

ClinVar aggregate classification (germline): Likely pathogenic (1 of 4 stars; one submission).

Conditions:
Marfan syndrome (MFS). Also called: MARFAN SYNDROME, TYPE I; Marfan syndrome type 1; Marfan's syndrome; Marfan syndrome, classic; FBN1-Related Marfan Syndrome. Identifiers: Orphanet 284963, Orphanet 558, MedGen C0024796, MONDO:0007947, OMIM 154700.
Familial thoracic aortic aneurysm and aortic dissection (TAAD). Also called: Thoracic aortic aneurysms and dissections. Identifiers: Orphanet 91387, MedGen C4707243, MONDO:0019625.

Submission:

Labcorp Genetics (formerly Invitae), Labcorp
Classification: Likely pathogenic for Marfan syndrome; Familial thoracic aortic aneurysm and aortic dissection. Last evaluated: 2023-08-10. Review status: criteria provided, single submitter. Criteria: Invitae Variant Classification Sherloc (09022015). Collection method: clinical testing. Allele origin: germline.
Comment: This variant disrupts the p.Cys2084 amino acid residue in FBN1. Other variant(s) that disrupt this residue have been observed in individuals with FBN1-related conditions (PMID: 18435798), which suggests that this may be a clinically significant amino acid residue. This variant affects a cysteine residue in the EGF-like, TGFBP or hybrid motif domains of FBN1. Cysteine residues are believed to be involved in intramolecular disulfide bridges and have been shown to be important for FBN1 protein structure (PMID: 16905551, 19349279). In addition, missense substitutions affecting cysteine residues within these domains are significantly overrepresented among patients with Marfan syndrome (PMID: 16571647, 17701892). Advanced modeling of protein sequence and biophysical properties (such as structural, functional, and spatial information, amino acid conservation, physicochemical variation, residue mobility, and thermodynamic stability) performed at Invitae indicates that this missense variant is expected to disrupt FBN1 protein function. ClinVar contains an entry for this variant (Variation ID: 1517935). This missense change has been observed in individual(s) with clinical features of Marfan syndrome (PMID: 21895641, 27906200). This variant is not present in population databases (gnomAD no frequency). This sequence change replaces cysteine, which is neutral and slightly polar, with serine, which is neutral and polar, at codon 2084 of the FBN1 protein (p.Cys2084Ser). In summary, the currently available evidence indicates that the variant is pathogenic, but additional data are needed to prove that conclusively. Therefore, this variant has been classified as Likely Pathogenic.

Literature cited by the submitters: PubMed 18435798; PubMed 16905551; PubMed 19349279; PubMed 16571647; PubMed 17701892; PubMed 21895641; PubMed 27906200.